The following is an entry in ClinVar:

NM_152383.5(DIS3L2):c.1529C>A (p.Ala510Glu)

Gene: DIS3L2 (DIS3 like 3'-5' exoribonuclease 2; plus strand). Cytogenetic location: 2q37.1.
Variant type: single nucleotide variant.
Coding change: c.1529C>A on transcript NM_152383.5 (MANE Select); coding-DNA position 1529, C replaced by A.
Protein change: p.Ala510Glu; replaces alanine 510 with glutamic acid.
Molecular consequence: missense variant. On other transcripts: non-coding transcript variant (2).
Genome position (GRCh38, 1-based): chr2:232,263,310, C>A. VCF-style: chr2-232263310-C-A. GRCh37 (hg19) VCF-style: chr2-233128020-C-A.
Other names: c.1529C>A, p.Ala510Glu (NM_001257281.2); short protein forms A510E.
Identifiers: ClinVar variation 954551 (VCV000954551.9), dbSNP rs377321022, ClinGen allele CA350975467.
Genomic context (GRCh38, chr2:232,263,310, plus strand): 5'-CCAAACTTAGCTACGAGCATGCACAGAGCATGATTGAAAGCCCAACTGAGAAAATCCCTG[C>A]GAAAGAGCTGCCCCCCATTTCCCCAGAGCATAGCAGCGAGGAGGTACACCAGGCCGTCTT-3'
Protein context (NP_689596.4, residues 500-520): MIESPTEKIP[Ala510Glu]KELPPISPEH

ClinVar aggregate classification (germline): Uncertain significance (1 of 4 stars; one submission).

Conditions:
Perlman syndrome (PRLMNS). Identifiers: Orphanet 2849, MedGen C0796113, MONDO:0009965, OMIM 267000.

gnomAD v4.1: 2 of 1,614,068 alleles (0.00012%); highest among the groups gnomAD compares: East Asian, 0.0022%; no homozygotes.

Submission:

Labcorp Genetics (formerly Invitae), Labcorp
Classification: Uncertain significance for Perlman syndrome. Last evaluated: 2019-08-25. Review status: criteria provided, single submitter. Criteria: Invitae Variant Classification Sherloc (09022015). Collection method: clinical testing. Allele origin: germline.
Comment: Algorithms developed to predict the effect of missense changes on protein structure and function output the following: SIFT: "Tolerated"; PolyPhen-2: "Benign"; Align-GVGD: "Class C0". The glutamic acid amino acid residue is found in multiple mammalian species, suggesting that this missense change does not adversely affect protein function. These predictions have not been confirmed by published functional studies and their clinical significance is uncertain. In summary, the available evidence is currently insufficient to determine the role of this variant in disease. Therefore, it has been classified as a Variant of Uncertain Significance. This variant has not been reported in the literature in individuals with DIS3L2-related conditions. This variant is not present in population databases (ExAC no frequency). This sequence change replaces alanine with glutamic acid at codon 510 of the DIS3L2 protein (p.Ala510Glu). The alanine residue is weakly conserved and there is a moderate physicochemical difference between alanine and glutamic acid.